The following is an entry in ClinVar:

ClinVar aggregate classification (germline): Likely benign. Review status: criteria provided, multiple submitters, no conflicts (2 of 4 stars). 2 submissions from 2 submitters: Likely benign (2). Last evaluated 2025-08-25.

Conditions:
DDX54-related disorder. Also called: DDX54-related condition.

Submissions (2):

PreventionGenetics, part of Exact Sciences
Classification: Likely benign for DDX54-related condition. Last evaluated: 2025-08-25. Review status: criteria provided, single submitter. Criteria: ACMG Guidelines, 2015. Collection method: clinical testing. Allele origin: germline.
Comment: This variant is classified as likely benign based on ACMG/AMP sequence variant interpretation guidelines (Richards et al. 2015 PMID: 25741868, with internal and published modifications).

Blueprint Genetics
Classification: Likely benign. Last evaluated: 2022-01-14. Review status: criteria provided, single submitter. Criteria: ACMG Guidelines, 2015. Collection method: clinical testing. Allele origin: germline.

NM_024072.4(DDX54):c.1980A>G (p.Ser660=)

Gene: DDX54 (DEAD-box helicase 54; minus strand). Cytogenetic location: 12q24.13.
Variant type: single nucleotide variant.
Coding change: c.1980A>G on transcript NM_024072.4 (MANE Select); coding-DNA position 1980, A replaced by G.
Protein change: p.Ser660=; no amino-acid change (serine 660 retained).
Molecular consequence: synonymous variant.
Genome position (GRCh38, 1-based): chr12:113,163,233, T>C on the plus strand (A>G on the coding strand, the complement: DDX54 is on the minus strand). VCF-style: chr12-113163233-T-C. GRCh37 (hg19) VCF-style: chr12-113601038-T-C.
Other names: c.1980A>G, p.Ser660= (NM_001111322.2); c.1980A>G (NM_001111322.1).
Identifiers: ClinVar variation 4918691 (VCV004918691.2).